The following is an entry in ClinVar:

NM_001164508.2(NEB):c.23626C>T (p.Gln7876Ter)

Genes: NEB (nebulin; minus strand), RIF1 (replication timing regulatory factor 1; plus strand). Cytogenetic location: 2q23.3.
Variant type: single nucleotide variant.
Coding change: c.23626C>T on transcript NM_001164508.2 (MANE Select); coding-DNA position 23626, C replaced by T.
Protein change: p.Gln7876Ter; replaces glutamine 7876 with a stop codon.
Molecular consequence: nonsense.
Genome position (GRCh38, 1-based): chr2:151,506,189, G>A on the plus strand (C>T on the coding strand, the complement: NEB is on the minus strand). VCF-style: chr2-151506189-G-A. GRCh37 (hg19) VCF-style: chr2-152362703-G-A.
Other names: c.23626C>T, p.Gln7876Ter (NM_001164507.2); c.23731C>T, p.Gln7911Ter (NM_001271208.2); c.18523C>T, p.Gln6175Ter (NM_004543.5); short protein forms Q7876*, Q6175*, Q7911*.
Identifiers: ClinVar variation 646106 (VCV000646106.9), dbSNP rs537560378, ClinGen allele CA1906309.

ClinVar aggregate classification (germline): Pathogenic/Likely pathogenic. Review status: criteria provided, multiple submitters, no conflicts (2 of 4 stars). 3 submissions from 3 submitters: Pathogenic (1); Likely pathogenic (2). Last evaluated 2024-09-25.

Conditions:
Arthrogryposis multiplex congenita 6. Identifiers: MedGen C5543431, MONDO:0030281, OMIM 619334.
Nemaline myopathy 2 (NEM2). Also called: Nemaline myopathy 2, autosomal recessive. Identifiers: MedGen C1850569, MONDO:0009725, OMIM 256030.

Allele frequency attached by ClinVar (database versions not stated): gnomAD exomes below 0.00001; ExAC 0.00001; gnomAD 0.00001; 1000 Genomes Project 30x 0.00016; 1000 Genomes Project 0.00020.
gnomAD v4.1: 2 of 1,613,318 alleles (0.00012%); highest among the groups gnomAD compares: South Asian, 0.0022%; no homozygotes.

Submissions (3):

Natera, Inc.
Classification: Likely pathogenic for Nemaline myopathy type 2. Last evaluated: 2024-09-25. Review status: criteria provided, single submitter. Criteria: Natera Variant Classification Schema (03/2026). Collection method: clinical testing. Allele origin: germline.
Comment: The c.23731C>T variant in NEB is a nonsense variant predicted to introduce a stop codon at amino acid 7911. This variant is expected to result in nonsense mediated decay, truncation, or a dysfunctional protein product. This variant is rare in the general population with a frequency below the threshold expected for the associated phenotype(s). Given the available evidence, this variant is classified as Likely Pathogenic.

Baylor Genetics
Classification: Likely pathogenic for Arthrogryposis multiplex congenita 6. Last evaluated: 2023-10-24. Review status: criteria provided, single submitter. Criteria: ACMG Guidelines, 2015. Collection method: clinical testing. Allele origin: unknown.

Labcorp Genetics (formerly Invitae), Labcorp
Classification: Pathogenic for Nemaline myopathy 2. Last evaluated: 2018-08-19. Review status: criteria provided, single submitter. Criteria: Invitae Variant Classification Sherloc (09022015). Collection method: clinical testing. Allele origin: germline.
Comment: For these reasons, this variant has been classified as Pathogenic. Loss-of-function variants in NEB are known to be pathogenic (PMID: 25205138). This variant has not been reported in the literature in individuals with NEB-related disease. This variant is present in population databases (rs537560378, ExAC 0.006%). This sequence change creates a premature translational stop signal (p.Gln7911*) in the NEB gene. It is expected to result in an absent or disrupted protein product.

Literature cited by the submitters: PubMed 25205138 (cited by Labcorp Genetics (formerly Invitae), Labcorp).